The following is an entry in ClinVar:

ClinVar aggregate classification (germline): Uncertain significance (1 of 4 stars; one submission).

Conditions:
Hypertrophic cardiomyopathy. Also called: HYPERTROPHIC MYOCARDIOPATHY. Identifiers: Orphanet 217569, MedGen C0007194, MeSH D002312, MONDO:0005045, HP:0001639.

Submission:

Labcorp Genetics (formerly Invitae), Labcorp
Classification: Uncertain significance for Hypertrophic cardiomyopathy. Last evaluated: 2020-12-19. Review status: criteria provided, single submitter. Criteria: Invitae Variant Classification Sherloc (09022015). Collection method: clinical testing. Allele origin: germline.
Comment: In summary, the available evidence is currently insufficient to determine the role of this variant in disease. Therefore, it has been classified as a Variant of Uncertain Significance. Algorithms developed to predict the effect of sequence changes on RNA splicing suggest that this variant may create or strengthen a splice site, but this prediction has not been confirmed by published transcriptional studies. This variant has not been reported in the literature in individuals with MYBPC3-related conditions. This variant is not present in population databases (ExAC no frequency). This variant, c.506_526dup, results in the insertion of 7 amino acid(s) to the MYBPC3 protein (p.Gly169_Ser175dup), but otherwise preserves the integrity of the reading frame.

NC_000011.10:g.47349905_47349925dup

Gene: MYBPC3 (myosin binding protein C3; minus strand). Cytogenetic location: 11p11.2.
Variant type: Duplication.
Genome position: GRCh38 VCF-style: chr11-47349901-G-GCTGAGAAGGTGATGCTGCCAC. GRCh37 (hg19) VCF-style: chr11-47371452-G-GCTGAGAAGGTGATGCTGCCAC.
Identifiers: ClinVar variation 1495015 (VCV001495015.8), ClinGen allele CA2573147274.